The following is an entry in ClinVar:

ClinVar aggregate classification (germline): Uncertain significance (1 of 4 stars; one submission).

Conditions:
Early-infantile DEE. Also called: Early infantile epileptic encephalopathy; Ohtahara syndrome; Early infantile epileptic encephalopathy with suppression bursts. Identifiers: Orphanet 1934, MedGen C0393706, MONDO:0800491.

Submission:

Labcorp Genetics (formerly Invitae), Labcorp
Classification: Uncertain significance for Early-infantile DEE. Last evaluated: 2024-05-31. Review status: criteria provided, single submitter. Criteria: Invitae Variant Classification Sherloc (09022015). Collection method: clinical testing. Allele origin: germline.
Comment: This sequence change falls in intron 20 of the SCN1A gene. It does not directly change the encoded amino acid sequence of the SCN1A protein. However, this sequence change falls within a region encompassing a cryptic exon in the SCN1A gene, in which variants have been shown to alter splicing (PMID: 30526861, 34107977). This variant is not present in population databases (gnomAD no frequency). This variant has not been reported in the literature in individuals affected with SCN1A-related conditions. Algorithms developed to predict the effect of sequence changes on RNA splicing suggest that this variant is not likely to affect RNA splicing. In summary, the available evidence is currently insufficient to determine the role of this variant in disease. Therefore, it has been classified as a Variant of Uncertain Significance.

Literature cited by the submitters: PubMed 30526861; PubMed 34107977.

NM_001165963.4(SCN1A):c.4002+2028A>G

Genes: SCN1A (sodium voltage-gated channel alpha subunit 1; minus strand), LOC102724058 (uncharacterized LOC102724058; plus strand). Cytogenetic location: 2q24.3.
Variant type: single nucleotide variant.
Coding change: c.4002+2028A>G on transcript NM_001165963.4 (MANE Select); 2028 bases into the intron after coding-DNA position 4002, A replaced by G.
Molecular consequence: intron variant.
Genome position (GRCh38, 1-based): chr2:166,007,691, T>C on the plus strand (A>G on the coding strand, the complement: SCN1A is on the minus strand). VCF-style: chr2-166007691-T-C. GRCh37 (hg19) VCF-style: chr2-166864201-T-C.
Other names: c.3969+2028A>G (NM_001353949.2, NM_001353950.2, NM_001353951.2 and 2 more transcripts); c.3918+2028A>G (NM_001353958.2, NM_001353957.2, NM_001165964.3); c.4002+2028A>G (NM_001202435.3, NM_001353948.2); c.3966+2028A>G (NM_001353955.2, NM_001353954.2); c.3915+2028A>G (NM_001353960.2); c.1560+2028A>G (NM_001353961.2).
Identifiers: ClinVar variation 3639208 (VCV003639208.2).